The following is an entry in ClinVar:

ClinVar aggregate classification (germline): Uncertain significance (1 of 4 stars; one submission).

Conditions:
Inborn genetic diseases. Identifiers: MedGen C0950123, MeSH D030342.

Submission:

Ambry Genetics
Classification: Uncertain significance for Inborn genetic diseases. Last evaluated: 2023-06-21. Review status: criteria provided, single submitter. Criteria: Ambry Variant Classification Scheme 2023. Collection method: clinical testing. Allele origin: germline.
Comment: The p.R15S variant (also known as c.43C>A), located in coding exon 1 of the MDH2 gene, results from a C to A substitution at nucleotide position 43. The arginine at codon 15 is replaced by serine, an amino acid with dissimilar properties. This amino acid position is conserved. In addition, this alteration is predicted to be tolerated by in silico analysis. Since supporting evidence is limited at this time, the clinical significance of this alteration remains unclear.

NM_005918.4(MDH2):c.43C>A (p.Arg15Ser)

Gene: MDH2 (malate dehydrogenase 2; plus strand). Cytogenetic location: 7q11.23.
Variant type: single nucleotide variant.
Coding change: c.43C>A on transcript NM_005918.4 (MANE Select); coding-DNA position 43, C replaced by A.
Protein change: p.Arg15Ser; replaces arginine 15 with serine.
Molecular consequence: missense variant. On other transcripts: 5 prime UTR variant (1), non-coding transcript variant (1).
Genome position (GRCh38, 1-based): chr7:76,048,203, C>A. VCF-style: chr7-76048203-C-A. GRCh37 (hg19) VCF-style: chr7-75677521-C-A.
Other names: c.43C>A, p.Arg15Ser (NM_001282403.2); c.-110C>A (NM_001282404.2); short protein forms R15S.
Identifiers: ClinVar variation 2625185 (VCV002625185.2), dbSNP rs1554584485, ClinGen allele CA367760087.